The following is an entry in ClinVar:

NM_001378183.1(PIEZO2):c.6877C>T (p.His2293Tyr)

Gene: PIEZO2 (piezo type mechanosensitive ion channel component 2; minus strand). Cytogenetic location: 18p11.22.
Variant type: single nucleotide variant.
Coding change: c.6877C>T on transcript NM_001378183.1 (MANE Select); coding-DNA position 6877, C replaced by T.
Protein change: p.His2293Tyr; replaces histidine 2293 with tyrosine.
Molecular consequence: missense variant.
Genome position (GRCh38, 1-based): chr18:10,696,490, G>A on the plus strand (C>T on the coding strand, the complement: PIEZO2 is on the minus strand). VCF-style: chr18-10696490-G-A. GRCh37 (hg19) VCF-style: chr18-10696488-G-A.
Other names: c.6538C>T (NM_022068.2); c.6613C>T, p.His2205Tyr (NM_001410871.1); c.6538C>T, p.His2180Tyr (NM_022068.4); short protein forms H2205Y, H2180Y, H2293Y.
Identifiers: ClinVar variation 1964215 (VCV001964215.6), dbSNP rs1000702662, ClinGen allele CA295993029.

ClinVar aggregate classification (germline): Uncertain significance. Review status: criteria provided, multiple submitters, no conflicts (2 of 4 stars). 2 submissions from 2 submitters: Uncertain significance (2). Last evaluated 2025-09-10.

Conditions:
Inborn genetic diseases. Identifiers: MedGen C0950123, MeSH D030342.

Allele frequency attached by ClinVar (database versions not stated): gnomAD exomes below 0.00001; TOPMed 0.00001.
gnomAD v4.1: 2 of 1,613,938 alleles (0.00012%); highest among the groups gnomAD compares: Non-Finnish European, 0.000085%; no homozygotes.

Submissions (2):

Ambry Genetics
Classification: Uncertain significance for Inborn genetic diseases. Last evaluated: 2025-09-10. Review status: criteria provided, single submitter. Criteria: Ambry Variant Classification Scheme 2023. Collection method: clinical testing. Allele origin: germline.

Labcorp Genetics (formerly Invitae), Labcorp
Classification: Uncertain significance. Last evaluated: 2021-12-13. Review status: criteria provided, single submitter. Criteria: Invitae Variant Classification Sherloc (09022015). Collection method: clinical testing. Allele origin: germline.
Comment: In summary, the available evidence is currently insufficient to determine the role of this variant in disease. Therefore, it has been classified as a Variant of Uncertain Significance. Advanced modeling of protein sequence and biophysical properties (such as structural, functional, and spatial information, amino acid conservation, physicochemical variation, residue mobility, and thermodynamic stability) performed at Invitae indicates that this missense variant is expected to disrupt PIEZO2 protein function. This variant has not been reported in the literature in individuals affected with PIEZO2-related conditions. This variant is not present in population databases (gnomAD no frequency). This sequence change replaces histidine, which is basic and polar, with tyrosine, which is neutral and polar, at codon 2180 of the PIEZO2 protein (p.His2180Tyr).